The following is an entry in ClinVar:

ClinVar aggregate classification (germline): Uncertain significance. Review status: reviewed by expert panel (3 of 4 stars). 4 submissions from 4 submitters: Uncertain significance (1). 3 of the submissions do not count toward it. Last evaluated 2024-07-25.

Conditions:
Hereditary thrombocytopenia and hematologic cancer predisposition syndrome. Identifiers: Orphanet 71290, MedGen CN281654, MONDO:0011071.
Inborn genetic diseases. Identifiers: MedGen C0950123, MeSH D030342.
Hereditary thrombocytopenia and hematological cancer predisposition syndrome associated with RUNX1. Also called: Familial Platelet Disorder with Propensity to Acute Myelogenous Leukemia; Familial thrombocytopenia with propensity to acute myelogenous leukemia; PLATELET DISORDER, ASPIRIN-LIKE; RUNX1 Familial Platelet Disorder with Associated Myeloid Malignancies. Identifiers: Orphanet 71290, MedGen C1832388, MeSH C563324, MONDO:0100083, OMIM 601399.

Allele frequency attached by ClinVar (database versions not stated): gnomAD exomes below 0.00001; TOPMed below 0.00001; ExAC 0.00001.
gnomAD v4.1: 1 of 1,613,934 alleles (0.000062%); highest among the groups gnomAD compares: Admixed American, 0.0017%; no homozygotes.

Submissions (4):

ClinGen Myeloid Malignancy Variant Curation Expert Panel
Classification: Uncertain significance for Hereditary thrombocytopenia and hematologic cancer predisposition syndrome. Last evaluated: 2024-07-25. Review status: reviewed by expert panel. Criteria: ClinGen MyeloMalig ACMG Specifications v2. Collection method: curation. Allele origin: germline. Inheritance: Autosomal dominant inheritance.
Comment: NM_001754.5(RUNX1):c.950T>G (p.Leu317Arg) is a missense variant which has a highest population minor allele frequency in gnomAD v2 of 0.00002891 (1/34590 alleles) in the non-Finnish European population. This variant has been reported in a patient with AML at a VAF of 15%, but the origin was not confirmed (PMID: 28933735). The computational predictor REVEL gives a score of 0.249, which is below the threshold of 0.50, and the splice site predictor SpliceAI indicated that the variant has no impact on splicing, evidence that does not predict a damaging effect on RUNX1 function (BP4). In summary, this variant meets the criteria to be classified as a variant of uncertain significance (VUS) for autosomal dominant hereditary thrombocytopenia and hematologic cancer predisposition syndrome based on the ACMG/AMP criteria applied, as specified by the ClinGen Myeloid Malignancy VCEP: BP4.

Ambry Genetics
Classification: Uncertain significance for Inborn genetic diseases. Last evaluated: 2025-08-07. Review status: criteria provided, single submitter. Criteria: Ambry Variant Classification Scheme 2023. Collection method: clinical testing. Allele origin: germline. Not counted in ClinVar's aggregate classification.
Comment: The p.L317R variant (also known as c.950T>G), located in coding exon 7 of the RUNX1 gene, results from a T to G substitution at nucleotide position 950. The leucine at codon 317 is replaced by arginine, an amino acid with dissimilar properties. This amino acid position is well conserved in available vertebrate species. In addition, the in silico prediction for this alteration is inconclusive. Based on the available evidence, the clinical significance of this variant remains unclear.

GeneDx
Classification: Uncertain significance. Last evaluated: 2024-07-17. Review status: criteria provided, single submitter. Criteria: GeneDx Variant Classification Process June 2021. Collection method: clinical testing. Allele origin: germline. Affected: yes. Not counted in ClinVar's aggregate classification.
Comment: Observed at a low allele frequency in a bone marrow or blood sample from an individual with leukemia (AML); germline status was not investigated (PMID: 28933735); In silico analysis indicates that this missense variant does not alter protein structure/function; Not observed at significant frequency in large population cohorts (gnomAD); This variant is associated with the following publications: (PMID: 28933735)

Labcorp Genetics (formerly Invitae), Labcorp
Classification: Uncertain significance for Hereditary thrombocytopenia and hematological cancer predisposition syndrome associated with RUNX1. Last evaluated: 2022-08-12. Review status: criteria provided, single submitter. Criteria: Invitae Variant Classification Sherloc (09022015). Collection method: clinical testing. Allele origin: germline. Not counted in ClinVar's aggregate classification.
Comment: In summary, the available evidence is currently insufficient to determine the role of this variant in disease. Therefore, it has been classified as a Variant of Uncertain Significance. Algorithms developed to predict the effect of missense changes on protein structure and function are either unavailable or do not agree on the potential impact of this missense change (SIFT: "Deleterious"; PolyPhen-2: "Probably Damaging"; Align-GVGD: "Class C0"). This sequence change replaces leucine, which is neutral and non-polar, with arginine, which is basic and polar, at codon 317 of the RUNX1 protein (p.Leu317Arg). This variant is present in population databases (rs750414302, gnomAD 0.003%). This variant has not been reported in the literature in individuals affected with RUNX1-related conditions.

NM_001754.5(RUNX1):c.950T>G (p.Leu317Arg)

Gene: RUNX1 (RUNX family transcription factor 1; minus strand). Cytogenetic location: 21q22.12.
Variant type: single nucleotide variant.
Coding change: c.950T>G on transcript NM_001754.5 (MANE Select); coding-DNA position 950, T replaced by G.
Protein change: p.Leu317Arg; replaces leucine 317 with arginine.
Molecular consequence: missense variant.
Genome position (GRCh38, 1-based): chr21:34,799,318, A>C on the plus strand (T>G on the coding strand, the complement: RUNX1 is on the minus strand). VCF-style: chr21-34799318-A-C. GRCh37 (hg19) VCF-style: chr21-36171615-A-C.
Other names: NM_001754.5(RUNX1):c.950T>G; p.Leu317Arg; c.869T>G, p.Leu290Arg (NM_001001890.3); short protein forms L290R, L317R.
Identifiers: ClinVar variation 2183638 (VCV002183638.7), dbSNP rs750414302, ClinGen allele CA10014263.